The following is an entry in ClinVar:

ClinVar aggregate classification (germline): Likely benign (1 of 4 stars; one submission).

Conditions:
Malignant hyperthermia, susceptibility to, 5 (MHS5). Also called: CACNA1S-Related Malignant Hyperthermia Susceptibility. Identifiers: Orphanet 423, MedGen C1866077, MONDO:0011163, OMIM 601887.

Allele frequency attached by ClinVar (database versions not stated): gnomAD exomes below 0.00001.
gnomAD v4.1: 1 of 1,614,140 alleles (0.000062%); highest among the groups gnomAD compares: South Asian, 0.0011%; no homozygotes.

Submission:

All of Us Research Program, National Institutes of Health
Classification: Likely benign for Malignant hyperthermia, susceptibility to, 5. Last evaluated: 2023-02-24. Review status: criteria provided, single submitter. Criteria: ACMG Guidelines, 2015. Collection method: clinical testing. Allele origin: germline. Inheritance: Autosomal dominant inheritance. Observed: 1 variant allele, 1 heterozygote.
Comment: This study involves interpretation of variants in research participants for the purpose of population health screening. Participant phenotype was not available at the time of variant classification. Additional details can be found in publication PMID: 35346344, PMCID: PMC8962531

NM_000069.3(CACNA1S):c.2532T>C (p.Thr844=)

Gene: CACNA1S (calcium voltage-gated channel subunit alpha1 S; minus strand). Cytogenetic location: 1q32.1.
Variant type: single nucleotide variant.
Coding change: c.2532T>C on transcript NM_000069.3 (MANE Select); coding-DNA position 2532, T replaced by C.
Protein change: p.Thr844=; no amino-acid change (threonine 844 retained).
Molecular consequence: synonymous variant.
Genome position (GRCh38, 1-based): chr1:201,069,155, A>G on the plus strand (T>C on the coding strand, the complement: CACNA1S is on the minus strand). VCF-style: chr1-201069155-A-G. GRCh37 (hg19) VCF-style: chr1-201038283-A-G.
Identifiers: ClinVar variation 3069635 (VCV003069635.1), dbSNP rs2464533961, ClinGen allele CA422687444.